The following is an entry in ClinVar:

ClinVar aggregate classification (germline): Uncertain significance (1 of 4 stars; one submission).

Conditions:
Werner syndrome (WRN). Identifiers: Orphanet 902, MedGen C0043119, MONDO:0010196, OMIM 277700.

Allele frequency attached by ClinVar (database versions not stated): gnomAD exomes below 0.00001.
gnomAD v4.1: 2 of 1,614,084 alleles (0.00012%); highest among the groups gnomAD compares: Non-Finnish European, 0.00017%; no homozygotes.

Submission:

Labcorp Genetics (formerly Invitae), Labcorp
Classification: Uncertain significance for Werner syndrome. Last evaluated: 2024-03-03. Review status: criteria provided, single submitter. Criteria: Invitae Variant Classification Sherloc (09022015). Collection method: clinical testing. Allele origin: germline.
Comment: This sequence change replaces aspartic acid, which is acidic and polar, with tyrosine, which is neutral and polar, at codon 1302 of the WRN protein (p.Asp1302Tyr). This variant is not present in population databases (gnomAD no frequency). This variant has not been reported in the literature in individuals affected with WRN-related conditions. ClinVar contains an entry for this variant (Variation ID: 1051555). An algorithm developed to predict the effect of missense changes on protein structure and function (PolyPhen-2) suggests that this variant is likely to be disruptive. In summary, the available evidence is currently insufficient to determine the role of this variant in disease. Therefore, it has been classified as a Variant of Uncertain Significance.

NM_000553.6(WRN):c.3904G>T (p.Asp1302Tyr)

Gene: WRN (WRN RecQ like helicase; plus strand). Cytogenetic location: 8p12.
Variant type: single nucleotide variant.
Coding change: c.3904G>T on transcript NM_000553.6 (MANE Select); coding-DNA position 3904, G replaced by T.
Protein change: p.Asp1302Tyr; replaces aspartic acid 1302 with tyrosine.
Molecular consequence: missense variant.
Genome position (GRCh38, 1-based): chr8:31,157,452, G>T. VCF-style: chr8-31157452-G-T. GRCh37 (hg19) VCF-style: chr8-31014968-G-T.
Other names: short protein forms D1302Y.
Identifiers: ClinVar variation 1051555 (VCV001051555.3), dbSNP rs1563387318, ClinGen allele CA370929452.